The following is an entry in ClinVar:

ClinVar aggregate classification (germline): Uncertain significance. Review status: criteria provided, multiple submitters, no conflicts (2 of 4 stars). 2 submissions from 2 submitters: Uncertain significance (2). Last evaluated 2025-10-22.

Conditions:
Hereditary cancer-predisposing syndrome. Also called: Hereditary neoplastic syndrome; Hereditary Cancer Syndrome; Tumor predisposition; Neoplastic Syndromes, Hereditary. Identifiers: Orphanet 140162, MedGen C0027672, MeSH D009386, MONDO:0015356.

Submissions (2):

Ambry Genetics
Classification: Uncertain significance for Hereditary cancer-predisposing syndrome. Last evaluated: 2025-10-22. Review status: criteria provided, single submitter. Criteria: Ambry Variant Classification Scheme 2023. Collection method: clinical testing. Allele origin: germline.
Comment: The p.G173D variant (also known as c.518G>A), located in coding exon 3 of the NTHL1 gene, results from a G to A substitution at nucleotide position 518. The glycine at codon 173 is replaced by aspartic acid, an amino acid with similar properties. This amino acid position is highly conserved in available vertebrate species. In addition, this alteration is predicted to be deleterious by in silico analysis. Since supporting evidence is limited at this time, the clinical significance of this alteration remains unclear.

Labcorp Genetics (formerly Invitae), Labcorp
Classification: Uncertain significance. Last evaluated: 2024-08-15. Review status: criteria provided, single submitter. Criteria: Invitae Variant Classification Sherloc (09022015). Collection method: clinical testing. Allele origin: germline.
Comment: This sequence change replaces glycine, which is neutral and non-polar, with aspartic acid, which is acidic and polar, at codon 173 of the NTHL1 protein (p.Gly173Asp). This variant is not present in population databases (gnomAD no frequency). This variant has not been reported in the literature in individuals affected with NTHL1-related conditions. ClinVar contains an entry for this variant (Variation ID: 1521354). An algorithm developed to predict the effect of missense changes on protein structure and function (PolyPhen-2) suggests that this variant is likely to be tolerated. In summary, the available evidence is currently insufficient to determine the role of this variant in disease. Therefore, it has been classified as a Variant of Uncertain Significance.

NM_002528.7(NTHL1):c.494G>A (p.Gly165Asp)

Gene: NTHL1 (nth like DNA glycosylase 1; minus strand). Cytogenetic location: 16p13.3.
Variant type: single nucleotide variant.
Coding change: c.494G>A on transcript NM_002528.7 (MANE Select); coding-DNA position 494, G replaced by A.
Protein change: p.Gly165Asp; replaces glycine 165 with aspartic acid.
Molecular consequence: missense variant. On other transcripts: intron variant (1).
Genome position (GRCh38, 1-based): chr16:2,044,661, C>T on the plus strand (G>A on the coding strand, the complement: NTHL1 is on the minus strand). VCF-style: chr16-2044661-C-T. GRCh37 (hg19) VCF-style: chr16-2094662-C-T.
Other names: c.164G>A, p.Gly55Asp (NM_001318194.2); c.355-935G>A (NM_001318193.2); short protein forms G165D, G55D.
Identifiers: ClinVar variation 1521354 (VCV001521354.11), dbSNP rs2150942231, ClinGen allele CA394294139.
Genomic context (GRCh38, chr16:2,044,661, plus strand): 5'-CGGCCCCCGTTGCCACAGGCAGGGCTCACCCTCCAGAAACCGACGGGGTAGATGAGCTTG[C>T]CCAGCGTGGCATCATCTGTCTGCAGGATGCTGTCCACCGTCAGGCCCCGCGCCCGCAGTC-3'
Protein context (NP_002519.2, residues 155-175): SILQTDDATL[Gly165Asp]KLIYPVGFWR